The following is an entry in ClinVar:

NM_001378454.1(ALMS1):c.2990C>T (p.Thr997Ile)

Gene: ALMS1 (ALMS1 centrosome and basal body associated protein; plus strand). Cytogenetic location: 2p13.1.
Variant type: single nucleotide variant.
Coding change: c.2990C>T on transcript NM_001378454.1 (MANE Select); coding-DNA position 2990, C replaced by T.
Protein change: p.Thr997Ile; replaces threonine 997 with isoleucine.
Molecular consequence: missense variant.
Genome position (GRCh38, 1-based): chr2:73,449,517, C>T. VCF-style: chr2-73449517-C-T. GRCh37 (hg19) VCF-style: chr2-73676644-C-T.
Other names: c.2993C>T, p.Thr998Ile (NM_015120.4); short protein forms T998I, T997I.
Identifiers: ClinVar variation 549901 (VCV000549901.6), dbSNP rs1240072348, ClinGen allele CA347273348.
Genomic context (GRCh38, chr2:73,449,517, plus strand): 5'-AATCTCTGAAAATGTCTGCTATTCCTGGACTGACTGACCAGAAGACTGTCCCAACACCAA[C>T]AGTACCTTCAGGTTCCTTCTCACATAGAGAGAAGCCCAGTATTTTCTATCAACAGGAGTG-3'
Protein context (NP_001365383.1, residues 987-1007): LTDQKTVPTP[Thr997Ile]VPSGSFSHRE

ClinVar aggregate classification (germline): Uncertain significance. Review status: criteria provided, multiple submitters, no conflicts (2 of 4 stars). 4 submissions from 4 submitters: Uncertain significance (3). 1 of the submissions does not count toward it. Last evaluated 2023-07-31.

Conditions:
Alstrom syndrome (ALMS). Identifiers: Orphanet 64, MedGen C0268425, MONDO:0008763, OMIM 203800.

Allele frequency attached by ClinVar (database versions not stated): gnomAD exomes below 0.00001; gnomAD 0.00001; TOPMed 0.00001.
gnomAD v4.1: 4 of 1,613,934 alleles (0.00025%); highest among the groups gnomAD compares: African/African-American, 0.0013%; no homozygotes.

Submissions (4):

Labcorp Genetics (formerly Invitae), Labcorp
Classification: Uncertain significance for Alstrom syndrome. Last evaluated: 2023-07-31. Review status: criteria provided, single submitter. Criteria: Invitae Variant Classification Sherloc (09022015). Collection method: clinical testing. Allele origin: germline.
Comment: This sequence change replaces threonine, which is neutral and polar, with isoleucine, which is neutral and non-polar, at codon 998 of the ALMS1 protein (p.Thr998Ile). This variant is present in population databases (no rsID available, gnomAD 0.01%). This variant has not been reported in the literature in individuals affected with ALMS1-related conditions. ClinVar contains an entry for this variant (Variation ID: 549901). Experimental studies and prediction algorithms are not available or were not evaluated, and the functional significance of this variant is currently unknown. In summary, the available evidence is currently insufficient to determine the role of this variant in disease. Therefore, it has been classified as a Variant of Uncertain Significance.

Blueprint Genetics
Classification: Uncertain significance. Last evaluated: 2022-08-22. Review status: criteria provided, single submitter. Criteria: ACMG Guidelines, 2015. Collection method: clinical testing. Allele origin: germline.

Fulgent Genetics
Classification: Uncertain significance for Alstrom syndrome. Last evaluated: 2021-07-29. Review status: criteria provided, single submitter. Criteria: ACMG Guidelines, 2015. Collection method: clinical testing. Allele origin: unknown.

Counsyl
Classification: Uncertain significance for Alstrom syndrome. Last evaluated: 2017-01-10. Review status: no assertion criteria provided. Collection method: clinical testing. Allele origin: unknown. Not counted in ClinVar's aggregate classification.